The following is an entry in ClinVar:

ClinVar aggregate classification (germline): Conflicting classifications of pathogenicity. Review status: criteria provided, conflicting classifications (1 of 4 stars). 6 submissions from 5 submitters: Likely pathogenic (1); Uncertain significance (4). 1 of the submissions does not count toward it. Last evaluated 2023-11-04.

Conditions:
Usher syndrome type 2A. Also called: RETINAL DISEASE IN USHER SYNDROME TYPE IIA, MODIFIER OF; USHER SYNDROME, TYPE IIA. Identifiers: Orphanet 231178, Orphanet 886, MedGen C1848634, MONDO:0010169, OMIM 276901.
Retinitis pigmentosa 39 (RP39). Identifiers: Orphanet 791, MedGen C3151138, MONDO:0013436, OMIM 613809.
USH2A-related disorder. Also called: USH2A-related disorders; USH2A-related condition. Identifiers: MedGen CN239332.

Allele frequency attached by ClinVar (database versions not stated): gnomAD exomes below 0.00001 and 0.00004; gnomAD 0.00001; ExAC 0.00003; TOPMed 0.00007.
gnomAD v4.1: 9 of 1,613,984 alleles (0.00056%); highest among the groups gnomAD compares: Admixed American, 0.012%; no homozygotes.

Submissions (6):

Genome-Nilou Lab
Classification: Uncertain significance for Retinitis pigmentosa 39. Last evaluated: 2023-11-04. Review status: criteria provided, single submitter. Criteria: ACMG Guidelines, 2015. Collection method: clinical testing. Allele origin: germline. Affected: no.

Genome-Nilou Lab
Classification: Uncertain significance for Usher syndrome type 2A. Last evaluated: 2023-11-04. Review status: criteria provided, single submitter. Criteria: ACMG Guidelines, 2015. Collection method: clinical testing. Allele origin: germline. Affected: no.

Labcorp Genetics (formerly Invitae), Labcorp
Classification: Uncertain significance. Last evaluated: 2022-08-16. Review status: criteria provided, single submitter. Criteria: Invitae Variant Classification Sherloc (09022015). Collection method: clinical testing. Allele origin: germline.
Comment: This sequence change replaces proline, which is neutral and non-polar, with leucine, which is neutral and non-polar, at codon 4555 of the USH2A protein (p.Pro4555Leu). This variant is present in population databases (rs772415448, gnomAD 0.02%). This missense change has been observed in individual(s) with retinitis pigmentosa (PMID: 27596865). ClinVar contains an entry for this variant (Variation ID: 550633). Algorithms developed to predict the effect of missense changes on protein structure and function (SIFT, PolyPhen-2, Align-GVGD) all suggest that this variant is likely to be disruptive. In summary, the available evidence is currently insufficient to determine the role of this variant in disease. Therefore, it has been classified as a Variant of Uncertain Significance.

Women's Health and Genetics/Laboratory Corporation of America, LabCorp
Classification: Uncertain significance. Last evaluated: 2021-09-28. Review status: criteria provided, single submitter. Criteria: LabCorp Variant Classification Summary - May 2015. Collection method: clinical testing. Allele origin: germline.
Comment: Variant summary: USH2A c.13664C>T (p.Pro4555Leu) results in a non-conservative amino acid change located in the Fibronectin type III domain (IPR003961) of the encoded protein sequence. Five of five in-silico tools predict a damaging effect of the variant on protein function. The variant allele was found at a frequency of 3.6e-05 in 251342 control chromosomes. The available data on variant occurrences in the general population are insufficient to allow any conclusion about variant significance. c.13664C>T has been reported in the literature as a compound heterozygous genotype with phase not specified in at-least one individual affected with Retinitis Pigmentosa (RP) (example, Zhang_2016). These data do not allow any conclusion about variant significance. To our knowledge, no experimental evidence demonstrating an impact on protein function has been reported. One clinical diagnostic laboratory has submitted clinical-significance assessments for this variant to ClinVar after 2014 without evidence for independent evaluation and classified the variant as uncertain significance. Based on the evidence outlined above, the variant was classified as uncertain significance.

Blueprint Genetics
Classification: Likely pathogenic for USH2A-related disorders. Last evaluated: 2021-09-08. Review status: criteria provided, single submitter. Criteria: ACMG Guidelines, 2015. Collection method: clinical testing. Allele origin: germline. Affected: yes. Observed: 1 variant allele.

Counsyl
Classification: Uncertain significance for Usher syndrome type 2A; Retinitis pigmentosa 39. Last evaluated: 2017-02-07. Review status: no assertion criteria provided. Collection method: clinical testing. Allele origin: unknown. Not counted in ClinVar's aggregate classification.

Literature cited by the submitters: PubMed 27596865 (cited by 3 submitters).

NM_206933.4(USH2A):c.13664C>T (p.Pro4555Leu)

Gene: USH2A (usherin; minus strand). Cytogenetic location: 1q41.
Variant type: single nucleotide variant.
Coding change: c.13664C>T on transcript NM_206933.4 (MANE Select); coding-DNA position 13664, C replaced by T.
Protein change: p.Pro4555Leu; replaces proline 4555 with leucine.
Molecular consequence: missense variant.
Genome position (GRCh38, 1-based): chr1:215,674,247, G>A on the plus strand (C>T on the coding strand, the complement: USH2A is on the minus strand). VCF-style: chr1-215674247-G-A. GRCh37 (hg19) VCF-style: chr1-215847589-G-A.
Other names: short protein forms P4555L.
Identifiers: ClinVar variation 550633 (VCV000550633.7), dbSNP rs772415448, ClinGen allele CA1393244.